The following is an entry in ClinVar:

ClinVar aggregate classification (germline): Benign (1 of 4 stars; one submission).

Allele frequency attached by ClinVar (database versions not stated): gnomAD exomes 0.00286; gnomAD 0.02467 and 0.02661; 1000 Genomes Project 0.02476; 1000 Genomes Project 30x 0.02498; TOPMed 0.02761.
gnomAD v4.1: 5,441 of 720,366 alleles (0.76%); highest among the groups gnomAD compares: African/African-American, 8.5%; 208 homozygotes.

Submission:

GeneDx
Classification: Benign. Last evaluated: 2018-06-18. Review status: criteria provided, single submitter. Criteria: GeneDx Variant Classification (06012015). Collection method: clinical testing. Allele origin: germline. Affected: yes.
Comment: This variant is considered likely benign or benign based on one or more of the following criteria: it is a conservative change, it occurs at a poorly conserved position in the protein, it is predicted to be benign by multiple in silico algorithms, and/or has population frequency not consistent with disease.

NM_002878.4(RAD51D):c.481-144T>C

Genes: RAD51D (RAD51 paralog D; minus strand), RAD51L3-RFFL (RAD51L3-RFFL readthrough; minus strand). Cytogenetic location: 17q12.
Variant type: single nucleotide variant.
Coding change: c.481-144T>C on transcript NM_002878.4 (MANE Select); 144 bases into the intron before coding-DNA position 481, T replaced by C.
Molecular consequence: intron variant.
Genome position (GRCh38, 1-based): chr17:35,106,625, A>G on the plus strand (T>C on the coding strand, the complement: RAD51D is on the minus strand). VCF-style: chr17-35106625-A-G. GRCh37 (hg19) VCF-style: chr17-33433644-A-G.
Other names: c.145-144T>C (NM_133629.3); c.541-144T>C (NM_001142571.2).
Identifiers: ClinVar variation 676556 (VCV000676556.1), dbSNP rs8067218, ClinGen allele CA289996089.